The following is an entry in ClinVar:

NM_001267550.2(TTN):c.19357G>A (p.Gly6453Ser)

Gene: TTN (titin; minus strand). Cytogenetic location: 2q31.2.
Variant type: single nucleotide variant.
Coding change: c.19357G>A on transcript NM_001267550.2 (MANE Select); coding-DNA position 19357, G replaced by A.
Protein change: p.Gly6453Ser; replaces glycine 6453 with serine.
Molecular consequence: missense variant. On other transcripts: intron variant (3).
Genome position (GRCh38, 1-based): chr2:178,728,569, C>T on the plus strand (G>A on the coding strand, the complement: TTN is on the minus strand). VCF-style: chr2-178728569-C-T. GRCh37 (hg19) VCF-style: chr2-179593296-C-T.
Other names: p.Gly5209Ser; c.18406G>A, p.Gly6136Ser (NM_001256850.1); c.15625G>A, p.Gly5209Ser (NM_133378.4); c.13282+9513G>A (NM_003319.4); c.13858+9513G>A (NM_133437.4); c.13657+9513G>A (NM_133432.3); short protein forms G5209S, G6136S, G6453S.
Identifiers: ClinVar variation 1297529 (VCV001297529.8), dbSNP rs374964612, ClinGen allele CA2001424.

ClinVar aggregate classification (germline): Uncertain significance. Review status: criteria provided, multiple submitters, no conflicts (2 of 4 stars). 7 submissions from 7 submitters: Uncertain significance (5). 2 of the submissions do not count toward it. Last evaluated 2026-03-24.

Conditions:
Dilated cardiomyopathy 1G (CMD1G). Identifiers: Orphanet 154, MedGen C1858763, MONDO:0011400, OMIM 604145.
Hypertrophic cardiomyopathy 9. Also called: Familial hypertrophic cardiomyopathy 9. Identifiers: MedGen C1861065, MONDO:0013412, OMIM 613765.
Early-onset myopathy with fatal cardiomyopathy (CMYO5). Also called: Salih Myopathy; CONGENITAL MYOPATHY 5 WITH CARDIOMYOPATHY. Identifiers: Orphanet 289377, MedGen C2673677, MONDO:0012714, OMIM 611705. Disease mechanism: loss of function.
Tibial muscular dystrophy (TMD). Also called: UDD MYOPATHY; Tibial muscular dystrophy, tardive; Udd Distal Myopathy – Tibial Muscular Dystrophy. Identifiers: Orphanet 609, MedGen C1838244, MONDO:0010870, OMIM 600334.
Autosomal recessive limb-girdle muscular dystrophy type 2J (LGMDR10). Also called: Limb-girdle muscular dystrophy, type 2J; MUSCULAR DYSTROPHY, LIMB-GIRDLE, AUTOSOMAL RECESSIVE 10. Identifiers: Orphanet 140922, MedGen C1837342, MONDO:0012127, OMIM 608807.
Myopathy, myofibrillar, 9, with early respiratory failure (MFM9). Also called: Hereditary myopathy with early respiratory failure; EDSTROM MYOPATHY; MYOPATHY, PROXIMAL, WITH EARLY RESPIRATORY MUSCLE INVOLVEMENT; Myopathy, distal, with early respiratory failure, autosomal dominant. Identifiers: Orphanet 178464, Orphanet 34521, MedGen C1863599, MONDO:0011362, OMIM 603689.
TTN-related disorder. Also called: TTN-related disorders; TTN-related condition; TTN-related disease.

Allele frequency attached by ClinVar (database versions not stated): ExAC 0.00005; ESP Exome Variant Server 0.00008.
gnomAD v4.1: 122 of 1,612,944 alleles (0.0076%); highest among the groups gnomAD compares: Non-Finnish European, 0.0095%; no homozygotes.

Submissions (7):

Women's Health and Genetics/Laboratory Corporation of America, LabCorp
Classification: Uncertain significance. Last evaluated: 2026-03-24. Review status: criteria provided, single submitter. Criteria: LabCorp Variant Classification Summary - May 2015. Collection method: clinical testing. Allele origin: germline.
Comment: Variant summary: TTN c.15625G>A (p.Gly5209Ser) results in a non-conservative amino acid change in the encoded protein sequence. Algorithms developed to predict the effect of missense changes on protein structure and function all suggest that this variant is likely to be disruptive. The variant allele was found at a frequency of 3.6e-05 in 247910 control chromosomes. The available data on variant occurrences in the general population are insufficient to allow any conclusion about variant significance. c.15625G>A has been observed in individual(s) affected with Cardiomyopathy (e.g. Haas_2015, Sanchez_2016). These report(s) do not provide unequivocal conclusions about association of the variant with Cardiomyopathy. To our knowledge, no experimental evidence demonstrating an impact on protein function has been reported. The following publications have been ascertained in the context of this evaluation (PMID: 25163546, 27930701). ClinVar contains an entry for this variant (Variation ID: 1297529). Based on the evidence outlined above, the variant was classified as uncertain significance.

PreventionGenetics, part of Exact Sciences
Classification: Uncertain significance for TTN-related condition. Last evaluated: 2026-03-18. Review status: criteria provided, single submitter. Criteria: ACMG Guidelines, 2015. Collection method: clinical testing. Allele origin: germline.
Comment: The TTN c.19357G>A variant is predicted to result in the amino acid substitution p.Gly6453Ser. This variant has been reported in a cohort of individuals with dilated cardiomyopathy (described as p.Gly5209Ser with the transcript NM_133378 in Table S6, Haas et al. 2015. PubMed ID: 25163546). This variant is reported in 0.0062% of alleles in individuals of European (Non-Finnish) descent in gnomAD. At this time, the clinical significance of this variant is uncertain due to the absence of conclusive functional and genetic evidence.

Mayo Clinic Laboratories, Mayo Clinic
Classification: Uncertain significance. Last evaluated: 2025-09-11. Review status: criteria provided, single submitter. Criteria: ACMG Guidelines, 2015. Collection method: clinical testing. Allele origin: germline. Observed: 1 variant allele.

Revvity Omics, Revvity
Classification: Uncertain significance. Last evaluated: 2023-12-18. Review status: criteria provided, single submitter. Criteria: ACMG Guidelines, 2015. Collection method: clinical testing. Allele origin: germline.

Fulgent Genetics
Classification: Uncertain significance for Tibial muscular dystrophy; Myopathy, myofibrillar, 9, with early respiratory failure; Dilated cardiomyopathy 1G; Autosomal recessive limb-girdle muscular dystrophy type 2J; Early-onset myopathy with fatal cardiomyopathy; Hypertrophic cardiomyopathy 9. Last evaluated: 2021-09-21. Review status: criteria provided, single submitter. Criteria: ACMG Guidelines, 2015. Collection method: clinical testing. Allele origin: unknown.

Clinical Genetics DNA and cytogenetics Diagnostics Lab, Erasmus MC, Erasmus Medical Center
Classification: Uncertain significance. Review status: no assertion criteria provided. Collection method: clinical testing. Allele origin: germline. Affected: yes. Study: VKGL Data-share Consensus. Not counted in ClinVar's aggregate classification.

Joint Genome Diagnostic Labs from Nijmegen and Maastricht, Radboudumc and MUMC+
Classification: Uncertain significance. Review status: no assertion criteria provided. Collection method: clinical testing. Allele origin: germline. Affected: yes. Study: VKGL Data-share Consensus. Not counted in ClinVar's aggregate classification.

Literature cited by the submitters: PubMed 25163546 (cited by Women's Health and Genetics/Laboratory Corporation of America, LabCorp); PubMed 27930701 (cited by Women's Health and Genetics/Laboratory Corporation of America, LabCorp).